The following is an entry in ClinVar:

ClinVar aggregate classification (germline): Pathogenic/Likely pathogenic. Review status: criteria provided, multiple submitters, no conflicts (2 of 4 stars). 8 submissions from 8 submitters: Pathogenic (4); Likely pathogenic (4). Last evaluated 2026-03-17.

Conditions:
Hereditary cancer-predisposing syndrome. Also called: Tumor predisposition; Hereditary neoplastic syndrome; Neoplastic Syndromes, Hereditary; Hereditary Cancer Syndrome. Identifiers: Orphanet 140162, MedGen C0027672, MeSH D009386, MONDO:0015356.
Hereditary breast ovarian cancer syndrome. Also called: Hereditary breast and ovarian cancer; Hereditary breast and ovarian cancer syndrome (HBOC); Hereditary breast and ovarian cancer syndrome; Breast and ovarian cancer; BRCA1- and BRCA2-Associated Hereditary Breast and Ovarian Cancer; Hereditary breast and/or ovarian cancer syndrome. Identifiers: Orphanet 145, MedGen C0677776, MeSH D061325, MONDO:0003582. Disease mechanism: loss of function.
Familial cancer of breast. Also called: BREAST CANCER, FAMILIAL; hereditary breast carcinoma; Hereditary breast cancer. Identifiers: Orphanet 227535, MedGen C0346153, MONDO:0016419, OMIM 114480. Disease mechanism: loss of function.

Allele frequency attached by ClinVar (database versions not stated): gnomAD exomes 0.00001.
gnomAD v4.1: 1 of 1,614,096 alleles (0.000062%); no homozygotes.

Submissions (8):

Dasa
Classification: Likely pathogenic. Last evaluated: 2026-03-17. Review status: criteria provided, single submitter. Criteria: DASA Assertion Criteria. Collection method: clinical testing. Allele origin: germline.
Comment: NM_000465.4(BARD1):c.1205C>A (p.Ser402*) is a nonsense variant in BARD1 predicted to introduce a premature termination codon and is predicted to result in an absent or altered protein product. Loss of function is an established disease mechanism for BARD1 (PMID: 20077502; PMID: 20842729; PMID: 21344236). Also, this variant is rare in population databases. Based on the currently available evidence, this variant is classified as likely pathogenic.

Labcorp Genetics (formerly Invitae), Labcorp
Classification: Pathogenic for Familial cancer of breast. Last evaluated: 2025-08-17. Review status: criteria provided, single submitter. Criteria: Invitae Variant Classification Sherloc (09022015). Collection method: clinical testing. Allele origin: germline.
Comment: This sequence change creates a premature translational stop signal (p.Ser402*) in the BARD1 gene. It is expected to result in an absent or disrupted protein product. Loss-of-function variants in BARD1 are known to be pathogenic (PMID: 20077502, 21344236). This variant is present in population databases (rs796666047, gnomAD 0.002%). This variant has not been reported in the literature in individuals affected with BARD1-related conditions. ClinVar contains an entry for this variant (Variation ID: 490923). Algorithms developed to predict the effect of sequence changes on RNA splicing suggest that this variant may disrupt the consensus splice site. For these reasons, this variant has been classified as Pathogenic.

Myriad Genetics, Inc.
Classification: Pathogenic for Familial cancer of breast. Last evaluated: 2023-05-22. Review status: criteria provided, single submitter. Criteria: Myriad Autosomal Dominant, Autosomal Recessive and X-Linked Classification Criteria (2023). Collection method: clinical testing. Allele origin: unknown.
Comment: This variant is considered pathogenic. This variant creates a termination codon and is predicted to result in premature protein truncation.

Baylor Genetics
Classification: Likely pathogenic for Familial cancer of breast. Last evaluated: 2023-02-07. Review status: criteria provided, single submitter. Criteria: ACMG Guidelines, 2015. Collection method: clinical testing. Allele origin: unknown.

Ambry Genetics
Classification: Pathogenic for Hereditary cancer-predisposing syndrome. Last evaluated: 2022-05-24. Review status: criteria provided, single submitter. Criteria: Ambry Variant Classification Scheme 2023. Collection method: clinical testing. Allele origin: germline.
Comment: The p.S402* pathogenic mutation (also known as c.1205C>A), located in coding exon 4 of the BARD1 gene, results from a C to A substitution at nucleotide position 1205. This changes the amino acid from a serine to a stop codon within coding exon 4. This alteration is expected to result in loss of function by premature protein truncation or nonsense-mediated mRNA decay. As such, this alteration is interpreted as a disease-causing mutation.

Color Diagnostics, LLC DBA Color Health
Classification: Pathogenic for Hereditary cancer-predisposing syndrome. Last evaluated: 2020-05-14. Review status: criteria provided, single submitter. Criteria: ACMG Guidelines, 2015. Collection method: clinical testing. Allele origin: germline.
Comment: This variant changes 1 nucleotide in exon 4 of the BARD1 gene, creating a premature translation stop signal. This variant is expected to result in an absent or non-functional protein product. To our knowledge, this variant has not been reported in individuals affected with hereditary cancer in the literature. This variant has been identified in 2/250994 chromosomes in the general population by the Genome Aggregation Database (gnomAD). Loss of BARD1 function is a known mechanism of disease. Based on the available evidence, this variant is classified as Pathogenic.

Women's Health and Genetics/Laboratory Corporation of America, LabCorp
Classification: Likely pathogenic for Hereditary breast and ovarian cancer syndrome. Last evaluated: 2018-07-31. Review status: criteria provided, single submitter. Criteria: LabCorp Variant Classification Summary - May 2015. Collection method: clinical testing. Allele origin: germline.
Comment: Variant summary: BARD1 c.1205C>A (p.Ser402X) results in a premature termination codon, predicted to cause a truncation of the encoded protein or absence of the protein due to nonsense mediated decay, which are commonly known mechanisms for disease. Truncations downstream of this position have been classified as pathogenic by our laboratory (eg. c.1690C>T (p.Gln564X), c.1921C>T (p.Arg641X), c.1935_1954dupTGAACAGGAAGAAAAGTATG (p.Glu652fsX69)). The variant allele was found at a frequency of 8.1e-06 in 245726 control chromosomes (gnomAD). To our knowledge, no occurrence of c.1205C>A in individuals affected with Hereditary Breast and Ovarian Cancer and no experimental evidence demonstrating its impact on protein function have been reported. One other clinical diagnostic laboratory has submitted clinical-significance assessments for this variant to ClinVar after 2014 without evidence for independent evaluation, and classified the variant as pathogenic. Based on the evidence outlined above, the variant was classified as likely pathogenic.

Genesis Genomics
Classification: Likely pathogenic for Familial cancer of breast. Review status: criteria provided, single submitter. Criteria: ACMG Guidelines, 2015. Collection method: clinical testing. Allele origin: germline. Affected: yes. Observed: 1 variant allele.

Literature cited by the submitters: PubMed 20077502 (cited by Dasa and Labcorp Genetics (formerly Invitae), Labcorp); PubMed 20842729 (cited by Dasa); PubMed 21344236 (cited by Dasa and Labcorp Genetics (formerly Invitae), Labcorp); PubMed 29292755 (cited by Women's Health and Genetics/Laboratory Corporation of America, LabCorp).

NM_000465.4(BARD1):c.1205C>A (p.Ser402Ter)

Gene: BARD1 (BRCA1 associated RING domain 1; minus strand). Cytogenetic location: 2q35.
Variant type: single nucleotide variant.
Coding change: c.1205C>A on transcript NM_000465.4 (MANE Select); coding-DNA position 1205, C replaced by A.
Protein change: p.Ser402Ter; replaces serine 402 with a stop codon.
Molecular consequence: nonsense. On other transcripts: non-coding transcript variant (2), intron variant (3).
Genome position (GRCh38, 1-based): chr2:214,780,669, G>T on the plus strand (C>A on the coding strand, the complement: BARD1 is on the minus strand). VCF-style: chr2-214780669-G-T. GRCh37 (hg19) VCF-style: chr2-215645393-G-T.
Other names: c.1148C>A, p.Ser383Ter (NM_001282543.2); c.159-28114C>A (NM_001282548.2); c.215+16392C>A (NM_001282545.2); c.364+11628C>A (NM_001282549.2); short protein forms S402*, S383*.
Identifiers: ClinVar variation 490923 (VCV000490923.24), dbSNP rs796666047, ClinGen allele CA64788006.